The following is an entry in ClinVar:

NM_001252024.2(TRPM1):c.4060A>G (p.Thr1354Ala)

Gene: TRPM1 (transient receptor potential cation channel subfamily M member 1; minus strand). Cytogenetic location: 15q13.3.
Variant type: single nucleotide variant.
Coding change: c.4060A>G on transcript NM_001252024.2 (MANE Select); coding-DNA position 4060, A replaced by G.
Protein change: p.Thr1354Ala; replaces threonine 1354 with alanine.
Molecular consequence: missense variant.
Genome position (GRCh38, 1-based): chr15:31,002,640, T>C on the plus strand (A>G on the coding strand, the complement: TRPM1 is on the minus strand). VCF-style: chr15-31002640-T-C. GRCh37 (hg19) VCF-style: chr15-31294843-T-C.
Other names: c.4111A>G, p.Thr1371Ala (NM_001252020.2); c.3994A>G, p.Thr1332Ala (NM_002420.6); short protein forms T1354A, T1332A, T1371A.
Identifiers: ClinVar variation 1392499 (VCV001392499.5), dbSNP rs750796762, ClinGen allele CA7451704.

ClinVar aggregate classification (germline): Uncertain significance (1 of 4 stars; one submission).

Allele frequency attached by ClinVar (database versions not stated): gnomAD exomes 0.00002 and 0.00004; ExAC 0.00003; gnomAD 0.00003; TOPMed 0.00003.
gnomAD v4.1: 29 of 1,614,098 alleles (0.0018%); highest among the groups gnomAD compares: East Asian, 0.06%; 1 homozygote.

Submission:

Labcorp Genetics (formerly Invitae), Labcorp
Classification: Uncertain significance. Last evaluated: 2022-01-06. Review status: criteria provided, single submitter. Criteria: Invitae Variant Classification Sherloc (09022015). Collection method: clinical testing. Allele origin: germline.
Comment: This sequence change replaces threonine, which is neutral and polar, with alanine, which is neutral and non-polar, at codon 1332 of the TRPM1 protein (p.Thr1332Ala). The frequency data for this variant in the population databases is considered unreliable, as metrics indicate poor data quality at this position in the gnomAD database. This variant has not been reported in the literature in individuals affected with TRPM1-related conditions. Algorithms developed to predict the effect of missense changes on protein structure and function output the following: SIFT: "Tolerated"; PolyPhen-2: "Benign"; Align-GVGD: "Class C0". The alanine amino acid residue is found in multiple mammalian species, which suggests that this missense change does not adversely affect protein function. In summary, the available evidence is currently insufficient to determine the role of this variant in disease. Therefore, it has been classified as a Variant of Uncertain Significance.